The following is an entry in ClinVar:

NC_000019.9:g.(?_11094822)_(11172498_?)del

Gene: SMARCA4 (SWI/SNF related BAF chromatin remodeling complex subunit ATPase 4; plus strand). Cytogenetic location: 19p13.2.
Variant type: Deletion.
Identifiers: ClinVar variation 1072687 (VCV001072687.1).

ClinVar aggregate classification (germline): Pathogenic (1 of 4 stars; one submission).

Conditions:
Rhabdoid tumor predisposition syndrome 2 (RTPS2). Identifiers: Orphanet 231108, Orphanet 69077, MedGen C2750074, MONDO:0013224, OMIM 613325.

Submission:

Labcorp Genetics (formerly Invitae), Labcorp
Classification: Pathogenic for Rhabdoid tumor predisposition syndrome 2. Last evaluated: 2016-10-24. Review status: criteria provided, single submitter. Criteria: Invitae Variant Classification Sherloc (09022015). Collection method: clinical testing. Allele origin: germline.
Comment: A gross deletion of the genomic region encompassing the full coding sequence of the SMARCA4 gene has been identified. The boundaries of this event are unknown as the deletion extends beyond the assayed region for this gene and therefore may encompass additional genes. While this particular variant has not been reported in the literature, truncating variants in SMARCA4 are known to be pathogenic (PMID: 24658001, 24658002). For these reasons, this variant has been classified as Pathogenic.

Literature cited by the submitters: PubMed 24658001; PubMed 24658002.